The following is an entry in ClinVar:

NM_004366.6(CLCN2):c.2173C>T (p.Arg725Trp)

Gene: CLCN2 (chloride voltage-gated channel 2; minus strand). Cytogenetic location: 3q27.1.
Variant type: single nucleotide variant.
Coding change: c.2173C>T on transcript NM_004366.6 (MANE Select); coding-DNA position 2173, C replaced by T.
Protein change: p.Arg725Trp; replaces arginine 725 with tryptophan.
Molecular consequence: missense variant.
Genome position (GRCh38, 1-based): chr3:184,352,781, G>A on the plus strand (C>T on the coding strand, the complement: CLCN2 is on the minus strand). VCF-style: chr3-184352781-G-A. GRCh37 (hg19) VCF-style: chr3-184070569-G-A.
Other names: c.2122C>T, p.Arg708Trp (NM_001171087.3); c.2041C>T, p.Arg681Trp (NM_001171088.3); c.2173C>T, p.Arg725Trp (NM_001171089.3); short protein forms R725W, R681W, R708W.
Identifiers: ClinVar variation 217779 (VCV000217779.38), dbSNP rs114702742, ClinGen allele CA347669.

ClinVar aggregate classification (germline): Benign/Likely benign. Review status: criteria provided, multiple submitters, no conflicts (2 of 4 stars). 10 submissions from 10 submitters: Benign (2); Likely benign (5). 3 of the submissions do not count toward it. Last evaluated 2026-06-01.

Conditions:
CLCN2-related disorder. Also called: CLCN2-related condition; CLCN2-related disorders.
Leukoencephalopathy with mild cerebellar ataxia and white matter edema (LKPAT). Also called: CLCN2-Related Leukoencephalopathy; Leukoencephalopathy with ataxia; Leukoencephalopathy with white matter edema; Brain white matter edema. Identifiers: Orphanet 363540, MedGen C4554120, MONDO:0014292, OMIM 615651. Disease mechanism: loss of function.
Intellectual disability. Also called: Intellectual functioning disability; intellectual disabilities; Intellectual developmental disorder. Identifiers: MedGen C3714756, MeSH D008607, MONDO:0001071, HP:0001249.

Allele frequency attached by ClinVar (database versions not stated): gnomAD exomes 0.00043 and 0.00100; ExAC 0.00134; gnomAD 0.00398 and 0.00416; ESP Exome Variant Server 0.00415; TOPMed 0.00453; 1000 Genomes Project 0.00579; 1000 Genomes Project 30x 0.00718.
gnomAD v4.1: 1,282 of 1,613,196 alleles (0.079%); highest among the groups gnomAD compares: African/African-American, 1.2%; 8 homozygotes.

Submissions (10):

CeGaT Center for Human Genetics Tuebingen
Classification: Likely benign. Last evaluated: 2026-06-01. Review status: criteria provided, single submitter. Criteria: CeGaT Center For Human Genetics Tuebingen Variant Classification Criteria Version 2. Collection method: clinical testing. Allele origin: germline. Affected: yes. Observed: 2 variant alleles.
Comment: CLCN2: BS1

Labcorp Genetics (formerly Invitae), Labcorp
Classification: Benign. Last evaluated: 2026-01-15. Review status: criteria provided, single submitter. Criteria: Invitae Variant Classification Sherloc (09022015). Collection method: clinical testing. Allele origin: germline.

Mayo Clinic Laboratories, Mayo Clinic
Classification: Likely benign. Last evaluated: 2025-04-24. Review status: criteria provided, single submitter. Criteria: ACMG Guidelines, 2015. Collection method: clinical testing. Allele origin: germline. Observed: 2 variant alleles.
Comment: BS1

Blueprint Genetics
Classification: Likely benign. Last evaluated: 2024-10-08. Review status: criteria provided, single submitter. Criteria: ACMG Guidelines, 2015. Collection method: clinical testing. Allele origin: germline.

Molecular Medicine for Neurodegenerative and Neuromuscular Diseases Unit, IRCCS Fondazione Stella Maris
Classification: Benign for Leukoencephalopathy with mild cerebellar ataxia and white matter edema. Last evaluated: 2021-07-12. Review status: criteria provided, single submitter. Criteria: ACMG Guidelines, 2015. Collection method: research. Allele origin: unknown. Affected: yes.

Center for Pediatric Genomic Medicine, Children's Mercy Hospital and Clinics
Classification: Likely benign. Last evaluated: 2016-07-11. Review status: criteria provided, single submitter. Criteria: ACMG Guidelines, 2015. Collection method: clinical testing. Allele origin: germline.
ClinVar note: Converted during submission from Likely Benign to Likely benign.

Breakthrough Genomics
Classification: Likely benign. Review status: criteria provided, single submitter. Criteria: ACMG Guidelines, 2015. Collection method: not provided. Allele origin: germline. Inheritance: Autosomal recessive inheritance. Affected: yes.

PreventionGenetics, part of Exact Sciences
Classification: Benign for CLCN2-related condition. Last evaluated: 2019-07-01. Review status: no assertion criteria provided. Collection method: clinical testing. Allele origin: germline. Not counted in ClinVar's aggregate classification.
Comment: This variant is classified as benign based on ACMG/AMP sequence variant interpretation guidelines (Richards et al. 2015 PMID: 25741868, with internal and published modifications).

Centre de Biologie Pathologie Génétique, Centre Hospitalier Universitaire de Lille
Classification: Likely benign for Intellectual disability. Last evaluated: 2019-01-01. Review status: no assertion criteria provided. Collection method: clinical testing. Allele origin: inherited. Affected: yes. Not counted in ClinVar's aggregate classification.

GeneReviews
No classification provided. Condition: Leukoencephalopathy with mild cerebellar ataxia and white matter edema. Review status: no classification provided. Collection method: literature only. Allele origin: germline. Affected: yes. Not counted in ClinVar's aggregate classification.

Literature cited by the submitters: PubMed 17762171 (cited by Mayo Clinic Laboratories, Mayo Clinic and GeneReviews); PubMed 21703448 (cited by Mayo Clinic Laboratories, Mayo Clinic); NCBI Bookshelf NBK326661 (cited by GeneReviews).